The following is an entry in ClinVar:

NM_006767.4(LZTR1):c.2006T>G (p.Ile669Ser)

Gene: LZTR1 (leucine zipper like post translational regulator 1; plus strand). Cytogenetic location: 22q11.21.
Variant type: single nucleotide variant.
Coding change: c.2006T>G on transcript NM_006767.4 (MANE Select); coding-DNA position 2006, T replaced by G.
Protein change: p.Ile669Ser; replaces isoleucine 669 with serine.
Molecular consequence: missense variant.
Genome position (GRCh38, 1-based): chr22:20,995,809, T>G. VCF-style: chr22-20995809-T-G. GRCh37 (hg19) VCF-style: chr22-21350098-T-G.
Other names: short protein forms I669S.
Identifiers: ClinVar variation 5023785 (VCV005023785.1).
Genomic context (GRCh38, chr22:20,995,809, plus strand): 5'-CATCTCTGATCCAGGACATGAAGGCATACCTGGAGGGAGCGGGCGCGGAATTCTGTGACA[T>G]CACTCTGTTGCTTGACGGGCACCCACGGCCAGCCCACAAGGCTATCCTGGCCGCCCGCTC-3'
Protein context (NP_006758.2, residues 659-679): LEGAGAEFCD[Ile669Ser]TLLLDGHPRP

ClinVar aggregate classification (germline): Uncertain significance (1 of 4 stars; one submission).

Conditions:
Cardiovascular phenotype. Identifiers: MedGen CN230736.
Hereditary cancer-predisposing syndrome. Also called: Neoplastic Syndromes, Hereditary; Tumor predisposition; Hereditary neoplastic syndrome; Hereditary Cancer Syndrome. Identifiers: Orphanet 140162, MedGen C0027672, MeSH D009386, MONDO:0015356.

Submission:

Ambry Genetics
Classification: Uncertain significance for Cardiovascular phenotype; Hereditary cancer-predisposing syndrome. Last evaluated: 2026-08-04. Review status: criteria provided, single submitter. Criteria: Ambry Variant Classification Scheme 2023. Collection method: clinical testing. Allele origin: germline.
Comment: The p.I669S variant (also known as c.2006T>G), located in coding exon 17 of the LZTR1 gene, results from a T to G substitution at nucleotide position 2006. The isoleucine at codon 669 is replaced by serine, an amino acid with dissimilar properties. This amino acid position is conserved. In addition, this alteration is predicted to be deleterious by in silico analysis. Based on the available evidence, the clinical significance of this variant remains unclear.